The following is an entry in ClinVar:

NM_007327.4(GRIN1):c.1321G>C (p.Asp441His)

Gene: GRIN1 (glutamate ionotropic receptor NMDA type subunit 1; plus strand). Cytogenetic location: 9q34.3.
Variant type: single nucleotide variant.
Coding change: c.1321G>C on transcript NM_007327.4 (MANE Select); coding-DNA position 1321, G replaced by C.
Protein change: p.Asp441His; replaces aspartic acid 441 with histidine.
Molecular consequence: missense variant.
Genome position (GRCh38, 1-based): chr9:137,161,179, G>C. VCF-style: chr9-137161179-G-C. GRCh37 (hg19) VCF-style: chr9-140055631-G-C.
Other names: c.1321G>C, p.Asp441His (NM_000832.7, NM_021569.4); c.1384G>C, p.Asp462His (NM_001185090.2, NM_001185091.2); short protein forms D441H, D462H.
Identifiers: ClinVar variation 3010290 (VCV003010290.3), dbSNP rs968603002, ClinGen allele CA375716099.

ClinVar aggregate classification (germline): Uncertain significance (1 of 4 stars; one submission).

Conditions:
Neurodevelopmental disorder with or without hyperkinetic movements and seizures, autosomal dominant. Also called: Intellectual disability, autosomal dominant 8. Identifiers: MedGen C3280282, MONDO:0013655, OMIM 614254.

Submission:

Labcorp Genetics (formerly Invitae), Labcorp
Classification: Uncertain significance for Neurodevelopmental disorder with or without hyperkinetic movements and seizures, autosomal dominant. Last evaluated: 2023-07-30. Review status: criteria provided, single submitter. Criteria: Invitae Variant Classification Sherloc (09022015). Collection method: clinical testing. Allele origin: germline.
Comment: In summary, the available evidence is currently insufficient to determine the role of this variant in disease. Therefore, it has been classified as a Variant of Uncertain Significance. Advanced modeling of protein sequence and biophysical properties (such as structural, functional, and spatial information, amino acid conservation, physicochemical variation, residue mobility, and thermodynamic stability) has been performed at Invitae for this missense variant, however the output from this modeling did not meet the statistical confidence thresholds required to predict the impact of this variant on GRIN1 protein function. This variant has not been reported in the literature in individuals affected with GRIN1-related conditions. This variant is not present in population databases (gnomAD no frequency). This sequence change replaces aspartic acid, which is acidic and polar, with histidine, which is basic and polar, at codon 441 of the GRIN1 protein (p.Asp441His).